The following is an entry in ClinVar:

ClinVar aggregate classification (germline): Conflicting classifications of pathogenicity. Review status: criteria provided, conflicting classifications (1 of 4 stars). 2 submissions from 2 submitters: Pathogenic (1); Uncertain significance (1). Last evaluated 2022-07-29.

Allele frequency attached by ClinVar (database versions not stated): gnomAD 0.00001.
gnomAD v4.1: 1 of 1,614,026 alleles (0.000062%); highest among the groups gnomAD compares: Admixed American, 0.0017%; no homozygotes.

Submissions (2):

Blueprint Genetics
Classification: Uncertain significance. Last evaluated: 2022-07-29. Review status: criteria provided, single submitter. Criteria: ACMG Guidelines, 2015. Collection method: clinical testing. Allele origin: germline.

Labcorp Genetics (formerly Invitae), Labcorp
Classification: Pathogenic. Last evaluated: 2022-03-26. Review status: criteria provided, single submitter. Criteria: Invitae Variant Classification Sherloc (09022015). Collection method: clinical testing. Allele origin: germline.
Comment: For these reasons, this variant has been classified as Pathogenic. This variant disrupts the p.Phe525 amino acid residue in ABCA4. Other variant(s) that disrupt this residue have been observed in individuals with ABCA4-related conditions (PMID: 29925512), which suggests that this may be a clinically significant amino acid residue. Advanced modeling of protein sequence and biophysical properties (such as structural, functional, and spatial information, amino acid conservation, physicochemical variation, residue mobility, and thermodynamic stability) performed at Invitae indicates that this missense variant is expected to disrupt ABCA4 protein function. This missense change has been observed in individual(s) with Stargardt disease (PMID: 11527935; Invitae). This variant is not present in population databases (gnomAD no frequency). This sequence change replaces phenylalanine, which is neutral and non-polar, with cysteine, which is neutral and slightly polar, at codon 525 of the ABCA4 protein (p.Phe525Cys).

Literature cited by the submitters: PubMed 29925512 (cited by Labcorp Genetics (formerly Invitae), Labcorp); PubMed 11527935 (cited by Labcorp Genetics (formerly Invitae), Labcorp).

NM_000350.3(ABCA4):c.1574T>G (p.Phe525Cys)

Gene: ABCA4 (ATP binding cassette subfamily A member 4; minus strand). Cytogenetic location: 1p22.1.
Variant type: single nucleotide variant.
Coding change: c.1574T>G on transcript NM_000350.3 (MANE Select); coding-DNA position 1574, T replaced by G.
Protein change: p.Phe525Cys; replaces phenylalanine 525 with cysteine.
Molecular consequence: missense variant.
Genome position (GRCh38, 1-based): chr1:94,063,298, A>C on the plus strand (T>G on the coding strand, the complement: ABCA4 is on the minus strand). VCF-style: chr1-94063298-A-C. GRCh37 (hg19) VCF-style: chr1-94528854-A-C.
Other names: c.1574T>G, p.Phe525Cys (NM_001425324.1); short protein forms F525C.
Identifiers: ClinVar variation 2202804 (VCV002202804.5), dbSNP rs1661181033, ClinGen allele CA341280632.